The following is an entry in ClinVar:

ClinVar aggregate classification (germline): Pathogenic. Review status: criteria provided, multiple submitters, no conflicts (2 of 4 stars). 2 submissions from 2 submitters: Pathogenic (2). Last evaluated 2026-01-15.

Conditions:
Polycystic kidney disease, adult type (PKD1). Also called: Polycystic Kidney Disease 1, Autosomal Dominant; Polycystic kidney disease 1; Polycystic kidney disease 1, severe; Polycystic Kidney, Autosomal Dominant; POLYCYSTIC KIDNEY DISEASE 1 WITH OR WITHOUT POLYCYSTIC LIVER DISEASE; POLYCYSTIC KIDNEY DISEASE, ADULT, TYPE I. Identifiers: MedGen C3149841, MONDO:0008263, OMIM 173900.

Submissions (2):

Victorian Clinical Genetics Services, Murdoch Childrens Research Institute
Classification: Pathogenic for Polycystic kidney disease, adult type. Last evaluated: 2026-01-15. Review status: criteria provided, single submitter. Criteria: ACMG Guidelines, 2015. Collection method: clinical testing. Allele origin: germline. Affected: yes.
Comment: This variant is classified as Pathogenic. Evidence in support of pathogenic classification: Variant is predicted to cause nonsense-mediated decay (NMD) and loss of protein (premature termination codon is located at least 54 nucleotides upstream of the final exon-exon junction); Variant is absent from gnomAD (v2, v3 and v4); This variant has limited previous evidence of pathogenicity in an unrelated individual. This variant has been classified as pathogenic by a clinical laboratory in ClinVar; Other NMD-predicted variants comparable to the one identified in this case have very strong previous evidence for pathogenicity (DECIPHER). Additional information: This variant is heterozygous; This gene is associated with autosomal dominant disease. Polycystic kidney disease 1 (MIM#173900) is predominantly caused by monoallelic variants, with rare reports of biallelic variants causing disease (OMIM); Loss of function is a known mechanism of disease in this gene and is associated with polycystic kidney disease 1 (MIM#173900); Inheritance information for this variant is not currently available in this individual.

(GEEPAD) Grupo de Estudio de la Enfermedad Poliquística Autosómica Dominante, Hospitales Universitarios Virgen de las Nieves y San Cecilio (Granada)
Classification: Pathogenic for Polycystic kidney disease, adult type. Last evaluated: 2022-08-03. Review status: criteria provided, single submitter. Criteria: ACMG Guidelines, 2015. Collection method: clinical testing. Allele origin: germline. Affected: yes. Observed: 1 variant allele.

NM_001009944.3(PKD1):c.1548G>A (p.Trp516Ter)

Gene: PKD1 (polycystin 1, transient receptor potential channel interacting; minus strand). Cytogenetic location: 16p13.3.
Variant type: single nucleotide variant.
Coding change: c.1548G>A on transcript NM_001009944.3 (MANE Select); coding-DNA position 1548, G replaced by A.
Protein change: p.Trp516Ter; replaces tryptophan 516 with a stop codon.
Molecular consequence: nonsense.
Genome position (GRCh38, 1-based): chr16:2,116,891, C>T on the plus strand (G>A on the coding strand, the complement: PKD1 is on the minus strand). VCF-style: chr16-2116891-C-T. GRCh37 (hg19) VCF-style: chr16-2166892-C-T.
Other names: c.1548G>A, p.Trp516Ter (NM_000296.4); short protein forms W516*.
Identifiers: ClinVar variation 1699912 (VCV001699912.2), dbSNP rs2151820663, ClinGen allele CA394391781.